The following is an entry in ClinVar:

ClinVar aggregate classification (germline): Uncertain significance (1 of 4 stars; one submission).

Conditions:
Autosomal dominant Parkinson disease 8. Also called: LRRK2-Related Parkinson Disease; Parkinson disease 8; Parkinson disease 8, susceptibility to. Identifiers: Orphanet 411602, MedGen C1846862, MONDO:0011764, OMIM 607060.

gnomAD v4.1: 1 of 1,611,938 alleles (0.000062%); highest among the groups gnomAD compares: Non-Finnish European, 0.000085%; no homozygotes.

Submission:

Labcorp Genetics (formerly Invitae), Labcorp
Classification: Uncertain significance for Parkinson disease 8, autosomal dominant. Last evaluated: 2019-09-05. Review status: criteria provided, single submitter. Criteria: Invitae Variant Classification Sherloc (09022015). Collection method: clinical testing. Allele origin: germline.
Comment: This sequence change replaces threonine with lysine at codon 838 of the LRRK2 protein (p.Thr838Lys). The threonine residue is weakly conserved and there is a moderate physicochemical difference between threonine and lysine. This variant is not present in population databases (ExAC no frequency). This variant has not been reported in the literature in individuals with LRRK2-related conditions. Algorithms developed to predict the effect of missense changes on protein structure and function (SIFT, PolyPhen-2, Align-GVGD) all suggest that this variant is likely to be tolerated, but these predictions have not been confirmed by published functional studies and their clinical significance is uncertain. In summary, the available evidence is currently insufficient to determine the role of this variant in disease. Therefore, it has been classified as a Variant of Uncertain Significance.

NM_198578.4(LRRK2):c.2513C>A (p.Thr838Lys)

Gene: LRRK2 (leucine rich repeat kinase 2; plus strand). Cytogenetic location: 12q12.
Variant type: single nucleotide variant.
Coding change: c.2513C>A on transcript NM_198578.4 (MANE Select); coding-DNA position 2513, C replaced by A.
Protein change: p.Thr838Lys; replaces threonine 838 with lysine.
Molecular consequence: missense variant.
Genome position (GRCh38, 1-based): chr12:40,287,363, C>A. VCF-style: chr12-40287363-C-A. GRCh37 (hg19) VCF-style: chr12-40681165-C-A.
Other names: short protein forms T838K.
Identifiers: ClinVar variation 846772 (VCV000846772.1), dbSNP rs1943969628, ClinGen allele CA384408561.